The following is an entry in ClinVar:

ClinVar aggregate classification (germline): Pathogenic (1 of 4 stars; one submission).

Submission:

CeGaT Center for Human Genetics Tuebingen
Classification: Pathogenic. Last evaluated: 2026-08-01. Review status: criteria provided, single submitter. Criteria: CeGaT Center For Human Genetics Tuebingen Variant Classification Criteria Version 2. Collection method: clinical testing. Allele origin: germline. Affected: yes. Observed: 2 variant alleles.
Comment: SHQ1: PVS1, PM2

NM_018130.3(SHQ1):c.460C>T (p.Arg154Ter)

Gene: SHQ1 (SHQ1, H/ACA ribonucleoprotein assembly factor; minus strand). Cytogenetic location: 3p13.
Variant type: single nucleotide variant.
Coding change: c.460C>T on transcript NM_018130.3 (MANE Select); coding-DNA position 460, C replaced by T.
Protein change: p.Arg154Ter; replaces arginine 154 with a stop codon.
Molecular consequence: nonsense.
Genome position (GRCh38, 1-based): chr3:72,841,071, G>A on the plus strand (C>T on the coding strand, the complement: SHQ1 is on the minus strand). VCF-style: chr3-72841071-G-A. GRCh37 (hg19) VCF-style: chr3-72890222-G-A.
Other names: short protein forms R154*.
Identifiers: ClinVar variation 5038496 (VCV005038496.1).